The following is an entry in ClinVar:

NM_006231.4(POLE):c.3409C>G (p.Leu1137Val)

Gene: POLE (DNA polymerase epsilon, catalytic subunit; minus strand). Cytogenetic location: 12q24.33.
Variant type: single nucleotide variant.
Coding change: c.3409C>G on transcript NM_006231.4 (MANE Select); coding-DNA position 3409, C replaced by G.
Protein change: p.Leu1137Val; replaces leucine 1137 with valine.
Molecular consequence: missense variant.
Genome position (GRCh38, 1-based): chr12:132,657,399, G>C on the plus strand (C>G on the coding strand, the complement: POLE is on the minus strand). VCF-style: chr12-132657399-G-C. GRCh37 (hg19) VCF-style: chr12-133233985-G-C.
Other names: short protein forms L1137V.
Identifiers: ClinVar variation 1731147 (VCV001731147.7), dbSNP rs2542002440, ClinGen allele CA387389492.

ClinVar aggregate classification (germline): Uncertain significance. Review status: criteria provided, multiple submitters, no conflicts (2 of 4 stars). 2 submissions from 2 submitters: Uncertain significance (2). Last evaluated 2024-06-10.

Conditions:
Hereditary cancer-predisposing syndrome. Also called: Neoplastic Syndromes, Hereditary; Tumor predisposition; Hereditary Cancer Syndrome; Hereditary neoplastic syndrome. Identifiers: Orphanet 140162, MedGen C0027672, MeSH D009386, MONDO:0015356.

Submissions (2):

Labcorp Genetics (formerly Invitae), Labcorp
Classification: Uncertain significance. Last evaluated: 2024-06-10. Review status: criteria provided, single submitter. Criteria: Invitae Variant Classification Sherloc (09022015). Collection method: clinical testing. Allele origin: germline.
Comment: This sequence change replaces leucine, which is neutral and non-polar, with valine, which is neutral and non-polar, at codon 1137 of the POLE protein (p.Leu1137Val). This variant is not present in population databases (gnomAD no frequency). This variant has not been reported in the literature in individuals affected with POLE-related conditions. ClinVar contains an entry for this variant (Variation ID: 1731147). Advanced modeling of protein sequence and biophysical properties (such as structural, functional, and spatial information, amino acid conservation, physicochemical variation, residue mobility, and thermodynamic stability) performed at Invitae indicates that this missense variant is not expected to disrupt POLE protein function with a negative predictive value of 80%. In summary, the available evidence is currently insufficient to determine the role of this variant in disease. Therefore, it has been classified as a Variant of Uncertain Significance.

Ambry Genetics
Classification: Uncertain significance for Hereditary cancer-predisposing syndrome. Last evaluated: 2022-06-20. Review status: criteria provided, single submitter. Criteria: Ambry Variant Classification Scheme 2023. Collection method: clinical testing. Allele origin: germline.
Comment: The p.L1137V variant (also known as c.3409C>G), located in coding exon 28 of the POLE gene, results from a C to G substitution at nucleotide position 3409. The leucine at codon 1137 is replaced by valine, an amino acid with highly similar properties. This amino acid position is conserved. In addition, the in silico prediction for this alteration is inconclusive. Since supporting evidence is limited at this time, the clinical significance of this alteration remains unclear.